The following is an entry in ClinVar:

NM_001079537.2(TRAPPC6B):c.91C>T (p.Arg31Ter)

Gene: TRAPPC6B (trafficking protein particle complex subunit 6B; minus strand). Cytogenetic location: 14q21.1.
Variant type: single nucleotide variant.
Coding change: c.91C>T on transcript NM_001079537.2 (MANE Select); coding-DNA position 91, C replaced by T.
Protein change: p.Arg31Ter; replaces arginine 31 with a stop codon.
Molecular consequence: nonsense.
Genome position (GRCh38, 1-based): chr14:39,159,541, G>A on the plus strand (C>T on the coding strand, the complement: TRAPPC6B is on the minus strand). VCF-style: chr14-39159541-G-A. GRCh37 (hg19) VCF-style: chr14-39628745-G-A.
Other names: c.91C>T, p.Arg31Ter (NM_177452.4); c.91C>T (NM_177452.3); short protein forms R31*.
Identifiers: ClinVar variation 989321 (VCV000989321.12), dbSNP rs1171802070, ClinGen allele CA389554365.

ClinVar aggregate classification (germline): Pathogenic/Likely pathogenic. Review status: criteria provided, multiple submitters, no conflicts (2 of 4 stars). 7 submissions from 7 submitters: Pathogenic (3); Likely pathogenic (3). 1 of the submissions does not count toward it. Last evaluated 2024-12-18.

Conditions:
Inborn genetic diseases. Identifiers: MedGen C0950123, MeSH D030342.
TRAPPC6B-related disorder. Also called: TRAPPC6B-related condition.
TRAPPC6B-related neurodevelopmental disorder.
Neurodevelopmental disorder with microcephaly, epilepsy, and brain atrophy. Identifiers: MedGen C4693390, MONDO:0060640, OMIM 617862.

Allele frequency attached by ClinVar (database versions not stated): gnomAD 0.00001; gnomAD exomes 0.00001; TOPMed 0.00002.

Submissions (7):

Genomic Medicine Center of Excellence, King Faisal Specialist Hospital and Research Centre
Classification: Pathogenic for Neurodevelopmental disorder with microcephaly, epilepsy, and brain atrophy. Last evaluated: 2024-12-18. Review status: criteria provided, single submitter. Criteria: ACMG Guidelines, 2015. Collection method: clinical testing. Allele origin: germline.

Labcorp Genetics (formerly Invitae), Labcorp
Classification: Pathogenic. Last evaluated: 2024-11-30. Review status: criteria provided, single submitter. Criteria: Invitae Variant Classification Sherloc (09022015). Collection method: clinical testing. Allele origin: germline.
Comment: This sequence change creates a premature translational stop signal (p.Arg31*) in the TRAPPC6B gene. It is expected to result in an absent or disrupted protein product. Loss-of-function variants in TRAPPC6B are known to be pathogenic (PMID: 28626029, 31231135). This variant is present in population databases (no rsID available, gnomAD 0.0008%). This premature translational stop signal has been observed in individual(s) with clinical features of TRAPPC6B-related conditions (PMID: 31231135). ClinVar contains an entry for this variant (Variation ID: 989321). Algorithms developed to predict the effect of sequence changes on RNA splicing suggest that this variant may disrupt the consensus splice site. For these reasons, this variant has been classified as Pathogenic.

Women's Health and Genetics/Laboratory Corporation of America, LabCorp
Classification: Pathogenic for Neurodevelopmental disorder with microcephaly, epilepsy, and brain atrophy. Last evaluated: 2024-07-11. Review status: criteria provided, single submitter. Criteria: LabCorp Variant Classification Summary - May 2015. Collection method: clinical testing. Allele origin: germline.
Comment: Variant summary: TRAPPC6B c.91C>T (p.Arg31X) results in a premature termination codon, predicted to cause a truncation of the encoded protein or absence of the protein due to nonsense mediated decay, which are commonly known mechanisms for disease. The frequency data for this variant in gnomAD is considered unreliable, as metrics indicate poor data quality at this position. c.91C>T has been reported in the literature in a setting of exome sequencing in multiple individuals without reported genotype affected with microcephaly, facial dysmorphism, and abnormal pyramidal signs (e.g. Bruel_2019). To our knowledge, no experimental evidence demonstrating an impact on protein function has been reported. The following publication has been ascertained in the context of this evaluation (PMID: 31231135). ClinVar contains an entry for this variant (Variation ID: 989321). Based on the evidence outlined above, the variant was classified as pathogenic.

Ambry Genetics
Classification: Likely pathogenic for Inborn genetic diseases. Last evaluated: 2021-06-16. Review status: criteria provided, single submitter. Criteria: Ambry Variant Classification Scheme 2023. Collection method: clinical testing. Allele origin: germline.
Comment: The c.91C>T (p.R31*) alteration, located in exon 2 (coding exon 2) of the TRAPPC6B gene, consists of a C to T substitution at nucleotide position 91. This changes the amino acid from an arginine (R) to a stop codon at amino acid position 31. The predicted stop codon occurs in the 5' end of the TRAPPC6B gene. Premature termination codons in the 5&rsquo; end of a gene have been reported to escape nonsense-mediated mRNA decay and/or lead to re-initiation (Rivas, 2015; Lindeboom, 2016; Rhee, 2017). Direct evidence for this alteration is unavailable, however premature termination codons are typically deleterious in nature. Based on the available evidence, this alteration is classified as likely pathogenic.

Illumina Laboratory Services, Illumina
Classification: Likely pathogenic for TRAPPC6B-related neurodevelopmental disorder. Last evaluated: 2020-06-15. Review status: criteria provided, single submitter. Criteria: ICSLVariantClassificationCriteria RUGD 01 April 2020. Collection method: clinical testing. Allele origin: unknown.
Comment: The TRAPPC6B c.91C>T (p.Arg31Ter) variant is a stop-gained variant that is predicted to result in a premature termination of the protein. A literature search was performed for the gene, cDNA change, and amino acid change. No publications were found based on this search. This variant is found at a frequency of 0.000008 in the European (Non-Finnish) population of the Genome Aggregation Database in a region of good sequence coverage, but the frequency is based on one allele only so the variant is presumed to be rare. Based on the predicted truncating nature of the variant and its rarity, the p.Arg31Ter variant is classified as likely pathogenic for TRAPPC6B-related neurodevelopmental disorder.

Victorian Clinical Genetics Services, Murdoch Childrens Research Institute
Classification: Likely pathogenic for Neurodevelopmental disorder with microcephaly, epilepsy, and brain atrophy. Last evaluated: 2020-04-09. Review status: criteria provided, single submitter. Criteria: ACMG Guidelines, 2015. Collection method: clinical testing. Allele origin: germline. Inheritance: Autosomal recessive inheritance. Affected: yes.
Comment: Based on the classification scheme VCGS_Germline_v1.1.1, this variant is classified as LIKELY PATHOGENIC. Following criteria are met: 0102 - Loss-of-function is a known mechanism of disease for this gene. (N) 0106 - This gene is known to be associated with autosomal recessive disease. (N) 0201 - Variant is predicted to cause nonsense-mediated decay (NMD) and loss of protein (exon 2 of 6). (P) 0251 - Variant is heterozygous. (N) 0304 - Variant is present in gnomAD <0.01 for a recessive condition (1 Heterozygote, 0 Homozygotes). (P) 0404 - Variant is located in a gene associated with a severe early onset recessive condition that is tolerant to bi-allelic loss-of-function variants. (B) 0703 - Comparable variants have moderate previous evidence for pathogenicity (ClinVar, Harripaul, R. et al. (2018), Marin-Valencia, I. et al. (2018), Nair, P. et al. (2019)). (P) 0807 - Variant has not previously been reported in a clinical context. (N) 0905 - No segregation evidence has been identified for this variant. (N) 1007 - No published functional evidence has been identified for this variant. (N) 1208 - Inheritance information for this variant is not currently available. (N)

PreventionGenetics, part of Exact Sciences
Classification: Likely pathogenic for TRAPPC6B-related condition. Last evaluated: 2024-05-09. Review status: no assertion criteria provided. Collection method: clinical testing. Allele origin: germline. Not counted in ClinVar's aggregate classification.
Comment: The TRAPPC6B c.91C>T variant is predicted to result in premature protein termination (p.Arg31*). This variant has been reported in an individual with intellectual disability, microcephaly, facial dysmorphism and abnormal pyramidal signs but a second variant in TRAPPC6B was not observed (case 19 in Table S1, Bruel et al 2019. PubMed ID: 31231135). This variant is reported in 0.00079% of alleles in individuals of European (Non-Finnish) descent in gnomAD. Nonsense variants in TRAPPC6B are expected to be pathogenic. This variant is interpreted as likely pathogenic.

Literature cited by the submitters: PubMed 28626029 (cited by Labcorp Genetics (formerly Invitae), Labcorp and Victorian Clinical Genetics Services, Murdoch Childrens Research Institute); PubMed 31231135 (cited by Labcorp Genetics (formerly Invitae), Labcorp and Women's Health and Genetics/Laboratory Corporation of America, LabCorp); PubMed 25954003 (cited by Ambry Genetics); PubMed 27618451 (cited by Ambry Genetics); PubMed 28490743 (cited by Ambry Genetics); PubMed 28397838 (cited by Victorian Clinical Genetics Services, Murdoch Childrens Research Institute); PubMed 31687267 (cited by Victorian Clinical Genetics Services, Murdoch Childrens Research Institute).